The following is an entry in ClinVar:

ClinVar aggregate classification (germline): Likely benign (1 of 4 stars; one submission).

Submission:

CeGaT Center for Human Genetics Tuebingen
Classification: Likely benign. Last evaluated: 2026-05-01. Review status: criteria provided, single submitter. Criteria: CeGaT Center For Human Genetics Tuebingen Variant Classification Criteria Version 2. Collection method: clinical testing. Allele origin: germline. Affected: yes. Observed: 2 variant alleles.
Comment: XPC: PM2:Supporting, BP4, BP7

NM_004628.5(XPC):c.2703T>A (p.Ala901=)

Gene: XPC (XPC complex subunit, DNA damage recognition and repair factor; minus strand). Cytogenetic location: 3p25.1.
Variant type: single nucleotide variant.
Coding change: c.2703T>A on transcript NM_004628.5 (MANE Select); coding-DNA position 2703, T replaced by A.
Protein change: p.Ala901=; no amino-acid change (alanine 901 retained).
Molecular consequence: synonymous variant. On other transcripts: non-coding transcript variant (2).
Genome position (GRCh38, 1-based): chr3:14,146,061, A>T on the plus strand (T>A on the coding strand, the complement: XPC is on the minus strand). VCF-style: chr3-14146061-A-T. GRCh37 (hg19) VCF-style: chr3-14187561-A-T.
Other names: c.2124T>A, p.Ala708= (NM_001354726.2); c.2697T>A, p.Ala899= (NM_001354727.2); c.2685T>A, p.Ala895= (NM_001354729.2); c.2457T>A, p.Ala819= (NM_001354730.2).
Identifiers: ClinVar variation 4821773 (VCV004821773.4).